The following is an entry in ClinVar:

NM_000051.4(ATM):c.7994del (p.Pro2665fs)

Genes: ATM (ATM serine/threonine kinase; plus strand), C11orf65 (chromosome 11 open reading frame 65; minus strand). Cytogenetic location: 11q22.3.
Variant type: Deletion.
Coding change: c.7994del on transcript NM_000051.4 (MANE Select); coding-DNA position 7994, one base deleted (C; older notation c.7994delC).
Protein change: p.Pro2665fs; shifts the reading frame from proline 2665.
Molecular consequence: frameshift variant. On other transcripts: intron variant (2).
Genome position (GRCh38, 1-based): chr11:108,333,952, C deleted; the last of 3 consecutive C bases (chr11:108,333,950-108,333,952); deleting any one gives the same sequence. VCF-style (leftmost placement, unchanged base first): chr11-108333949-TC-T. GRCh37 (hg19) VCF-style: chr11-108204676-TC-T.
Other names: c.7994del, p.Pro2665fs (NM_001351834.2); c.641-24879del (NM_001330368.2); c.*38+1270del (NM_001351110.2); short protein forms P2665fs.
Identifiers: ClinVar variation 4736029 (VCV004736029.1).
Genomic context (GRCh38, chr11:108,333,949, plus strand): 5'-GCATAAATATTCCAGCAGACCAGCCAATTACTAAACTTAAGAATTTAGAAGATGTTGTTG[TC>T]CCTACTATGGAAATTAAGGTAATTTGCAATTAACTCTTGATTTTTTTTAAACTAAATTTT-3'

ClinVar aggregate classification (germline): Pathogenic (1 of 4 stars; one submission).

Conditions:
Ataxia-telangiectasia syndrome (AT). Also called: Ataxia-telangiectasia, complementation group D; AT, COMPLEMENTATION GROUP C; ATAXIA-TELANGIECTASIA, COMPLEMENTATION GROUP A; ATAXIA-TELANGIECTASIA, FRESNO VARIANT; Ataxia-telangiectasia; Ataxia-telangiectasia, complementation group E. Identifiers: Orphanet 100, MedGen C0004135, MONDO:0008840, OMIM 208900.

Submission:

Labcorp Genetics (formerly Invitae), Labcorp
Classification: Pathogenic for Ataxia-telangiectasia syndrome. Last evaluated: 2026-01-24. Review status: criteria provided, single submitter. Criteria: Invitae Variant Classification Sherloc (09022015). Collection method: clinical testing. Allele origin: germline.
Comment: This sequence change creates a premature translational stop signal (p.Pro2665Leufs*17) in the ATM gene. It is expected to result in an absent or disrupted protein product. Loss-of-function variants in ATM are known to be pathogenic (PMID: 23807571, 25614872). This variant is not present in population databases (gnomAD no frequency). This variant has not been reported in the literature in individuals affected with ATM-related conditions. For these reasons, this variant has been classified as Pathogenic.

Literature cited by the submitters: PubMed 23807571; PubMed 25614872.